The following is an entry in ClinVar:

ClinVar aggregate classification (germline): Likely pathogenic. Review status: criteria provided, multiple submitters, no conflicts (2 of 4 stars). 3 submissions from 3 submitters: Likely pathogenic (2). 1 of the submissions does not count toward it. Last evaluated 2025-10-22.

Conditions:
MPI-congenital disorder of glycosylation. Also called: CDG Ib; CONGENITAL DISORDER OF GLYCOSYLATION, TYPE Ib; MPI DEFICIENCY; MANNOSEPHOSPHATE ISOMERASE DEFICIENCY; PROTEIN-LOSING ENTEROPATHY-HEPATIC FIBROSIS SYNDROME; MPI-CDG. Identifiers: Orphanet 79319, MedGen C1865145, MONDO:0011257, OMIM 602579.

Allele frequency attached by ClinVar (database versions not stated): gnomAD exomes below 0.00001.

Submissions (3):

Natera, Inc.
Classification: Likely pathogenic for Congenital disorder of glycosylation type 1b. Last evaluated: 2025-10-22. Review status: criteria provided, single submitter. Criteria: Natera Variant Classification Schema (03/2026). Collection method: clinical testing. Allele origin: germline.
Comment: The c.845-2delA variant in MPI is a canonical splice acceptor site variant predicted to affect pre-mRNA splicing, which may result in an abnormal transcript and altered protein product. This variant is expected to result in nonsense mediated decay, truncation, or a dysfunctional protein product. This variant is rare in the general population with a frequency below the threshold expected for the associated phenotype(s). Given the available evidence, this variant is classified as Likely Pathogenic.

Labcorp Genetics (formerly Invitae), Labcorp
Classification: Likely pathogenic for MPI-congenital disorder of glycosylation. Last evaluated: 2023-02-03. Review status: criteria provided, single submitter. Criteria: Invitae Variant Classification Sherloc (09022015). Collection method: clinical testing. Allele origin: germline.
Comment: This sequence change affects a splice site in intron 6 of the MPI gene. It is expected to disrupt RNA splicing. Variants that disrupt the donor or acceptor splice site typically lead to a loss of protein function (PMID: 16199547), and loss-of-function variants in MPI are known to be pathogenic (PMID: 19862844). This variant is not present in population databases (gnomAD no frequency). This variant has not been reported in the literature in individuals affected with MPI-related conditions. ClinVar contains an entry for this variant (Variation ID: 553083). Algorithms developed to predict the effect of sequence changes on RNA splicing suggest that this variant may disrupt the consensus splice site. In summary, the currently available evidence indicates that the variant is pathogenic, but additional data are needed to prove that conclusively. Therefore, this variant has been classified as Likely Pathogenic.

Counsyl
Classification: Likely pathogenic for MPI-congenital disorder of glycosylation. Last evaluated: 2017-08-01. Review status: no assertion criteria provided. Collection method: clinical testing. Allele origin: unknown. Not counted in ClinVar's aggregate classification.

Literature cited by the submitters: PubMed 16199547 (cited by Labcorp Genetics (formerly Invitae), Labcorp); PubMed 19862844 (cited by Labcorp Genetics (formerly Invitae), Labcorp).

NM_002435.3(MPI):c.845-2del

Gene: MPI (mannose phosphate isomerase; plus strand). Cytogenetic location: 15q24.1.
Variant type: Deletion.
Coding change: c.845-2del on transcript NM_002435.3 (MANE Select); the canonical splice acceptor site of the intron before coding-DNA position 845, one base deleted (A; older notation c.845-2delA).
Molecular consequence: splice acceptor variant. On other transcripts: intron variant (1).
Genome position (GRCh38, 1-based): chr15:74,897,009, A deleted. VCF-style (leftmost placement, unchanged base first): chr15-74897008-CA-C. GRCh37 (hg19) VCF-style: chr15-75189349-CA-C.
Other names: c.785-2del (NM_001330372.2); c.845-503del (NM_001289155.2); c.662-2del (NM_001289157.2); c.695-2del (NM_001289156.2); c.845-2delA (NM_002435.2).
Identifiers: ClinVar variation 553083 (VCV000553083.6), dbSNP rs1555479341, ClinGen allele CA658824074.